The following is an entry in ClinVar:

NM_139319.3(SLC17A8):c.43A>T (p.Lys15Ter)

Gene: SLC17A8 (solute carrier family 17 member 8; plus strand). Cytogenetic location: 12q23.1.
Variant type: single nucleotide variant.
Coding change: c.43A>T on transcript NM_139319.3 (MANE Select); coding-DNA position 43, A replaced by T.
Protein change: p.Lys15Ter; replaces lysine 15 with a stop codon.
Molecular consequence: nonsense.
Genome position (GRCh38, 1-based): chr12:100,357,434, A>T. VCF-style: chr12-100357434-A-T. GRCh37 (hg19) VCF-style: chr12-100751212-A-T.
Other names: c.43A>T, p.Lys15Ter (NM_001145288.2); short protein forms K15*.
Identifiers: ClinVar variation 3250400 (VCV003250400.1), dbSNP rs2500206106.
Genomic context (GRCh38, chr12:100,357,434, plus strand): 5'-AGGTGCCCCTCATTCAAAATGCCTTTTAAAGCATTTGATACCTTCAAAGAAAAAATTCTG[A>T]AACCTGGGAAGGAAGGAGTGAAGAACGCCGTGGGAGATTCTTTGGGAATTTTACAAAGGT-3'

ClinVar aggregate classification (germline): Pathogenic (1 of 4 stars; one submission).

Conditions:
Autosomal dominant nonsyndromic hearing loss 25. Identifiers: Orphanet 90635, MedGen C1854158, MONDO:0011568, OMIM 605583.

Allele frequency attached by ClinVar (database versions not stated): gnomAD exomes below 0.00001.
gnomAD v4.1: 2 of 1,614,056 alleles (0.00012%); no homozygotes.

Submission:

Laboratory of Prof. Karen Avraham, Tel Aviv University
Classification: Pathogenic for Autosomal dominant nonsyndromic hearing loss 25. Last evaluated: 2024-06-06. Review status: criteria provided, single submitter. Criteria: ACMG Guidelines, 2015. Collection method: research. Allele origin: germline. Affected: yes. Observed: 1 variant allele.
Comment: A nonesense variant at the beginnig of a known dominant deafness gene

DFNA25; high-tone normal-to-severe HL